The following is an entry in ClinVar:

ClinVar aggregate classification (germline): Likely benign (0 of 4 stars; one submission).

Conditions:
FRMD4A-related disorder. Also called: FRMD4A-related condition.

Allele frequency attached by ClinVar (database versions not stated): gnomAD exomes 0.00003; ExAC 0.00016; gnomAD 0.00039; TOPMed 0.00059; ESP Exome Variant Server 0.00108.
gnomAD v4.1: 110 of 1,611,588 alleles (0.0068%); highest among the groups gnomAD compares: African/African-American, 0.13%; no homozygotes.

Submission:

PreventionGenetics, part of Exact Sciences
Classification: Likely benign for FRMD4A-related condition. Last evaluated: 2019-12-06. Review status: no assertion criteria provided. Collection method: clinical testing. Allele origin: germline.
Comment: This variant is classified as likely benign based on ACMG/AMP sequence variant interpretation guidelines (Richards et al. 2015 PMID: 25741868, with internal and published modifications).

NM_018027.5(FRMD4A):c.1689C>T (p.Ser563=)

Gene: FRMD4A (FERM domain containing 4A; minus strand). Cytogenetic location: 10p13.
Variant type: single nucleotide variant.
Coding change: c.1689C>T on transcript NM_018027.5 (MANE Select); coding-DNA position 1689, C replaced by T.
Protein change: p.Ser563=; no amino-acid change (serine 563 retained).
Molecular consequence: synonymous variant.
Genome position (GRCh38, 1-based): chr10:13,660,525, G>A on the plus strand (C>T on the coding strand, the complement: FRMD4A is on the minus strand). VCF-style: chr10-13660525-G-A. GRCh37 (hg19) VCF-style: chr10-13702525-G-A.
Other names: c.1737C>T, p.Ser579= (NM_001318336.2); c.1788C>T, p.Ser596= (NM_001318337.2); c.762C>T, p.Ser254= (NM_001318338.2).
Identifiers: ClinVar variation 3048052 (VCV003048052.2), dbSNP rs142789644, ClinGen allele CA5414261.